The following is an entry in ClinVar:

NM_001042479.2(GEMIN8):c.57G>A (p.Pro19=)

Gene: GEMIN8 (gem nuclear organelle associated protein 8; minus strand). Cytogenetic location: Xp22.2.
Variant type: single nucleotide variant.
Coding change: c.57G>A on transcript NM_001042479.2 (MANE Select); coding-DNA position 57, G replaced by A.
Protein change: p.Pro19=; no amino-acid change (proline 19 retained).
Molecular consequence: synonymous variant.
Genome position (GRCh38, 1-based): chrX:14,020,493, C>T on the plus strand (G>A on the coding strand, the complement: GEMIN8 is on the minus strand). VCF-style: chrX-14020493-C-T. GRCh37 (hg19) VCF-style: chrX-14038612-C-T.
Other names: NC_000023.10:g.14038612C>T; c.57G>A, p.Pro19= (NM_001042480.2, NM_017856.3).
Identifiers: ClinVar variation 2660037 (VCV002660037.25), dbSNP rs375970991, ClinGen allele CA10352575.

ClinVar aggregate classification (germline): Likely benign (1 of 4 stars; one submission).

Allele frequency attached by ClinVar (database versions not stated): ExAC 0.00009.
gnomAD v4.1: 47 of 1,201,763 alleles (0.0039%); highest among the groups gnomAD compares: East Asian, 0.13%; no homozygotes.

Submissions (2):

CeGaT Center for Human Genetics Tuebingen
Classification: Likely benign. Last evaluated: 2022-12-01. Review status: criteria provided, single submitter. Criteria: CeGaT Center For Human Genetics Tuebingen Variant Classification Criteria Version 2. Collection method: clinical testing. Allele origin: germline. Affected: yes. Observed: 1 variant allele.
Comment: GEMIN8: BP4, BP7, BS2

Dr. Peter K. Rogan Lab, Western University
No classification provided (evidence only). Condition: Thyroid cancer, nonmedullary, 1. Review status: no classification provided. Collection method: in vitro. Allele origin: not applicable. Functional consequence: retained intron. Not counted in ClinVar's aggregate classification.